The following is an entry in ClinVar:

NM_002850.4(PTPRS):c.1404G>A (p.Pro468=)

Gene: PTPRS (protein tyrosine phosphatase receptor type S; minus strand). Cytogenetic location: 19p13.3.
Variant type: single nucleotide variant.
Coding change: c.1404G>A on transcript NM_002850.4 (MANE Select); coding-DNA position 1404, G replaced by A.
Protein change: p.Pro468=; no amino-acid change (proline 468 retained).
Molecular consequence: synonymous variant.
Genome position (GRCh38, 1-based): chr19:5,244,067, C>T on the plus strand (G>A on the coding strand, the complement: PTPRS is on the minus strand). VCF-style: chr19-5244067-C-T. GRCh37 (hg19) VCF-style: chr19-5244078-C-T.
Other names: c.1365G>A, p.Pro455= (NM_001394011.1, NM_001394012.1, NM_001394013.1 and 2 more transcripts); c.1377G>A, p.Pro459= (NM_130855.3).
Identifiers: ClinVar variation 3046506 (VCV003046506.2), dbSNP rs539090055, ClinGen allele CA9110367.

ClinVar aggregate classification (germline): Likely benign (0 of 4 stars; one submission).

Conditions:
PTPRS-related disorder. Also called: PTPRS-related condition.

Allele frequency attached by ClinVar (database versions not stated): gnomAD exomes 0.00004; gnomAD 0.00005; TOPMed 0.00006; ExAC 0.00007; 1000 Genomes Project 30x 0.00016; 1000 Genomes Project 0.00020.
gnomAD v4.1: 73 of 1,610,766 alleles (0.0045%); highest among the groups gnomAD compares: South Asian, 0.036%; 1 homozygote.

Submission:

PreventionGenetics, part of Exact Sciences
Classification: Likely benign for PTPRS-related condition. Last evaluated: 2019-03-27. Review status: no assertion criteria provided. Collection method: clinical testing. Allele origin: germline.
Comment: This variant is classified as likely benign based on ACMG/AMP sequence variant interpretation guidelines (Richards et al. 2015 PMID: 25741868, with internal and published modifications).